The following is an entry in ClinVar:

ClinVar aggregate classification (germline): Uncertain significance. Review status: criteria provided, multiple submitters, no conflicts (2 of 4 stars). 3 submissions from 3 submitters: Uncertain significance (3). Last evaluated 2024-10-29.

Conditions:
APC2-related disorder. Also called: APC2-Related Disorders; APC2-related condition.
Inborn genetic diseases. Identifiers: MedGen C0950123, MeSH D030342.

Allele frequency attached by ClinVar (database versions not stated): ExAC 0.00001; gnomAD exomes 0.00001; gnomAD 0.00002; TOPMed 0.00003.
gnomAD v4.1: 14 of 1,611,694 alleles (0.00087%); highest among the groups gnomAD compares: African/African-American, 0.004%; no homozygotes.

Submissions (3):

Labcorp Genetics (formerly Invitae), Labcorp
Classification: Uncertain significance. Last evaluated: 2024-10-29. Review status: criteria provided, single submitter. Criteria: Invitae Variant Classification Sherloc (09022015). Collection method: clinical testing. Allele origin: germline.
Comment: This sequence change replaces proline, which is neutral and non-polar, with serine, which is neutral and polar, at codon 1253 of the APC2 protein (p.Pro1253Ser). The frequency data for this variant in the population databases is considered unreliable, as metrics indicate poor data quality at this position in the gnomAD database. This variant has not been reported in the literature in individuals affected with APC2-related conditions. ClinVar contains an entry for this variant (Variation ID: 1905443). Invitae Evidence Modeling of protein sequence and biophysical properties (such as structural, functional, and spatial information, amino acid conservation, physicochemical variation, residue mobility, and thermodynamic stability) indicates that this missense variant is expected to disrupt APC2 protein function with a positive predictive value of 80%. In summary, the available evidence is currently insufficient to determine the role of this variant in disease. Therefore, it has been classified as a Variant of Uncertain Significance.

Ambry Genetics
Classification: Uncertain significance for Inborn genetic diseases. Last evaluated: 2024-01-04. Review status: criteria provided, single submitter. Criteria: Ambry Variant Classification Scheme 2023. Collection method: clinical testing. Allele origin: germline.

PreventionGenetics, part of Exact Sciences
Classification: Uncertain significance for APC2-related condition. Last evaluated: 2023-01-30. Review status: criteria provided, single submitter. Criteria: ACMG Guidelines, 2015. Collection method: clinical testing. Allele origin: germline.
Comment: The APC2 c.3757C>T variant is predicted to result in the amino acid substitution p.Pro1253Ser. To our knowledge, this variant has not been reported in the literature. This variant is reported in 0.0019% of alleles in individuals of European (Non-Finnish) descent in gnomAD. At this time, the clinical significance of this variant is uncertain due to the absence of conclusive functional and genetic evidence.

NM_005883.3(APC2):c.3757C>T (p.Pro1253Ser)

Gene: APC2 (APC regulator of Wnt signaling pathway 2; plus strand). Cytogenetic location: 19p13.3.
Variant type: single nucleotide variant.
Coding change: c.3757C>T on transcript NM_005883.3 (MANE Select); coding-DNA position 3757, C replaced by T.
Protein change: p.Pro1253Ser; replaces proline 1253 with serine.
Molecular consequence: missense variant.
Genome position (GRCh38, 1-based): chr19:1,467,058, C>T. VCF-style: chr19-1467058-C-T. GRCh37 (hg19) VCF-style: chr19-1467057-C-T.
Other names: c.3754C>T, p.Pro1252Ser (NM_001351273.1); c.3757C>T (NM_005883.2); short protein forms P1252S, P1253S.
Identifiers: ClinVar variation 1905443 (VCV001905443.7), dbSNP rs756181897, ClinGen allele CA9045736.